The following is an entry in ClinVar:

NM_001205293.3(CACNA1E):c.4901T>C (p.Leu1634Ser)

Gene: CACNA1E (calcium voltage-gated channel subunit alpha1 E; plus strand). Cytogenetic location: 1q25.3.
Variant type: single nucleotide variant.
Coding change: c.4901T>C on transcript NM_001205293.3 (MANE Select); coding-DNA position 4901, T replaced by C.
Protein change: p.Leu1634Ser; replaces leucine 1634 with serine.
Molecular consequence: missense variant.
Genome position (GRCh38, 1-based): chr1:181,771,312, T>C. VCF-style: chr1-181771312-T-C. GRCh37 (hg19) VCF-style: chr1-181740448-T-C.
Other names: c.4901T>C, p.Leu1634Ser (NM_000721.4); c.4844T>C, p.Leu1615Ser (NM_001205294.2); short protein forms L1615S, L1634S.
Identifiers: ClinVar variation 4800004 (VCV004800004.1).

ClinVar aggregate classification (germline): Uncertain significance (1 of 4 stars; one submission).

Submission:

Labcorp Genetics (formerly Invitae), Labcorp
Classification: Uncertain significance. Last evaluated: 2025-12-05. Review status: criteria provided, single submitter. Criteria: Invitae Variant Classification Sherloc (09022015). Collection method: clinical testing. Allele origin: germline.
Comment: This sequence change replaces leucine, which is neutral and non-polar, with serine, which is neutral and polar, at codon 1634 of the CACNA1E protein (p.Leu1634Ser). This variant is not present in population databases (gnomAD no frequency). This variant has not been reported in the literature in individuals affected with CACNA1E-related conditions. Invitae Evidence Modeling of protein sequence and biophysical properties (such as structural, functional, and spatial information, amino acid conservation, physicochemical variation, residue mobility, and thermodynamic stability) has been performed for this missense variant. However, the output from this modeling did not meet the statistical confidence thresholds required to predict the impact of this variant on CACNA1E protein function. In summary, the available evidence is currently insufficient to determine the role of this variant in disease. Therefore, it has been classified as a Variant of Uncertain Significance.